The following is an entry in ClinVar:

NM_002691.4(POLD1):c.3071C>T (p.Ala1024Val)

Gene: POLD1 (DNA polymerase delta 1, catalytic subunit; plus strand). Cytogenetic location: 19q13.33.
Variant type: single nucleotide variant.
Coding change: c.3071C>T on transcript NM_002691.4 (MANE Select); coding-DNA position 3071, C replaced by T.
Protein change: p.Ala1024Val; replaces alanine 1024 with valine.
Molecular consequence: missense variant. On other transcripts: non-coding transcript variant (1).
Genome position (GRCh38, 1-based): chr19:50,417,048, C>T. VCF-style: chr19-50417048-C-T. GRCh37 (hg19) VCF-style: chr19-50920305-C-T.
Other names: c.3071C>T (NM_002691.2); c.3071C>T, p.Ala1024Val (NM_001256849.1); c.3149C>T, p.Ala1050Val (NM_001308632.1); short protein forms A1024V, A1050V.
Identifiers: ClinVar variation 2793928 (VCV002793928.4), dbSNP rs2514074351, ClinGen allele CA406987055.

ClinVar aggregate classification (germline): Uncertain significance. Review status: criteria provided, multiple submitters, no conflicts (2 of 4 stars). 2 submissions from 2 submitters: Uncertain significance (2). Last evaluated 2024-11-02.

Conditions:
POLD1-related polyposis and colorectal cancer syndrome (CRCS10). Also called: Colorectal cancer 10; Colorectal cancer, susceptibility to, 10; COLORECTAL CANCER, SUSCEPTIBILITY TO, ON CHROMOSOME 19q. Identifiers: Orphanet 220460, MedGen C2675481, MONDO:0012953, OMIM 612591.
Hereditary cancer-predisposing syndrome. Also called: Tumor predisposition; Hereditary Cancer Syndrome; Hereditary neoplastic syndrome; Neoplastic Syndromes, Hereditary. Identifiers: Orphanet 140162, MedGen C0027672, MeSH D009386, MONDO:0015356.

Submissions (2):

Ambry Genetics
Classification: Uncertain significance for Hereditary cancer-predisposing syndrome. Last evaluated: 2024-11-02. Review status: criteria provided, single submitter. Criteria: Ambry Variant Classification Scheme 2023. Collection method: clinical testing. Allele origin: germline.
Comment: The p.A1024V variant (also known as c.3071C>T), located in coding exon 24 of the POLD1 gene, results from a C to T substitution at nucleotide position 3071. The alanine at codon 1024 is replaced by valine, an amino acid with similar properties. This amino acid position is conserved. In addition, this alteration is predicted to be tolerated by in silico analysis. Based on the available evidence, the clinical significance of this variant remains unclear.

Labcorp Genetics (formerly Invitae), Labcorp
Classification: Uncertain significance for POLD1-related polyposis and colorectal cancer syndrome. Last evaluated: 2023-01-26. Review status: criteria provided, single submitter. Criteria: Invitae Variant Classification Sherloc (09022015). Collection method: clinical testing. Allele origin: germline.
Comment: Advanced modeling of protein sequence and biophysical properties (such as structural, functional, and spatial information, amino acid conservation, physicochemical variation, residue mobility, and thermodynamic stability) performed at Invitae indicates that this missense variant is not expected to disrupt POLD1 protein function. In summary, the available evidence is currently insufficient to determine the role of this variant in disease. Therefore, it has been classified as a Variant of Uncertain Significance. This sequence change replaces alanine, which is neutral and non-polar, with valine, which is neutral and non-polar, at codon 1024 of the POLD1 protein (p.Ala1024Val). This variant is not present in population databases (gnomAD no frequency). This variant has not been reported in the literature in individuals affected with POLD1-related conditions.